The following is an entry in ClinVar:

NM_004304.5(ALK):c.2839G>T (p.Asp947Tyr)

Gene: ALK (ALK receptor tyrosine kinase; minus strand). Cytogenetic location: 2p23.2.
Variant type: single nucleotide variant.
Coding change: c.2839G>T on transcript NM_004304.5 (MANE Select); coding-DNA position 2839, G replaced by T.
Protein change: p.Asp947Tyr; replaces aspartic acid 947 with tyrosine.
Molecular consequence: missense variant.
Genome position (GRCh38, 1-based): chr2:29,227,649, C>A on the plus strand (G>T on the coding strand, the complement: ALK is on the minus strand). VCF-style: chr2-29227649-C-A. GRCh37 (hg19) VCF-style: chr2-29450515-C-A.
Other names: short protein forms D947Y.
Identifiers: ClinVar variation 4827115 (VCV004827115.1).

ClinVar aggregate classification (germline): Uncertain significance (1 of 4 stars; one submission).

Conditions:
Hereditary cancer-predisposing syndrome. Also called: Neoplastic Syndromes, Hereditary; Tumor predisposition; Hereditary Cancer Syndrome; Hereditary neoplastic syndrome. Identifiers: Orphanet 140162, MedGen C0027672, MeSH D009386, MONDO:0015356.

Submission:

Ambry Genetics
Classification: Uncertain significance for Hereditary cancer-predisposing syndrome. Last evaluated: 2026-03-12. Review status: criteria provided, single submitter. Criteria: Ambry Variant Classification Scheme 2023. Collection method: clinical testing. Allele origin: germline.
Comment: The p.D947Y variant (also known as c.2839G>T), located in coding exon 17 of the ALK gene, results from a G to T substitution at nucleotide position 2839. The aspartic acid at codon 947 is replaced by tyrosine, an amino acid with highly dissimilar properties. This amino acid position is conserved. In addition, the in silico prediction for this alteration is inconclusive. Based on the available evidence, the clinical significance of this variant remains unclear.